The following is an entry in ClinVar:

ClinVar aggregate classification (germline): Uncertain significance (1 of 4 stars; one submission).

Conditions:
Hereditary lymphedema type I (LMPHM1). Also called: Milroy Disease; Nonne-Milroy disease; Congenital hereditary lymphedema; Early onset lymphedema; Hereditary lymphedema 1; Primary congenital lymphedema. Identifiers: Orphanet 79452, MedGen C1704423, MONDO:0007919, OMIM 153100.

gnomAD v4.1: 26 of 1,612,312 alleles (0.0016%); highest among the groups gnomAD compares: South Asian, 0.0022%; no homozygotes.

Submission:

Clinical Genomics Laboratory, Washington University in St. Louis
Classification: Uncertain significance for Hereditary lymphedema type I. Last evaluated: 2025-02-19. Review status: criteria provided, single submitter. Criteria: ACMG Guidelines, 2015. Collection method: clinical testing. Allele origin: germline.
Comment: A FLT4 c.3530G>A (p.Gly1177Asp) variant was identified at a near heterozygous allelic fraction of 49.4%, a frequency which may be consistent with germline origin. This variant, to our knowledge, has not been reported in the medical literature. It occurs on 26/1,612,312 alleles in the general population (gnomAD v.4.1.0). Computational predictors suggest that the variant does not impact FLT4 function. Due to limited information, and based on ACMG/AMP guidelines for variant interpretation (Richards S et al., PMID: 25741868), the clinical significance of this variant is uncertain at this time.

NM_182925.5(FLT4):c.3530G>A (p.Gly1177Asp)

Gene: FLT4 (fms related receptor tyrosine kinase 4; minus strand). Cytogenetic location: 5q35.3.
Variant type: single nucleotide variant.
Coding change: c.3530G>A on transcript NM_182925.5 (MANE Select); coding-DNA position 3530, G replaced by A.
Protein change: p.Gly1177Asp; replaces glycine 1177 with aspartic acid.
Molecular consequence: missense variant.
Genome position (GRCh38, 1-based): chr5:180,612,513, C>T on the plus strand (G>A on the coding strand, the complement: FLT4 is on the minus strand). VCF-style: chr5-180612513-C-T. GRCh37 (hg19) VCF-style: chr5-180039513-C-T.
Other names: c.3530G>A, p.Gly1177Asp (NM_001354989.2, NM_002020.5); short protein forms G1177D.
Identifiers: ClinVar variation 4279926 (VCV004279926.1).